The following is an entry in ClinVar:

NM_000222.3(KIT):c.812G>A (p.Arg271His)

Gene: KIT (KIT proto-oncogene, receptor tyrosine kinase; plus strand). Cytogenetic location: 4q12.
Variant type: single nucleotide variant.
Coding change: c.812G>A on transcript NM_000222.3 (MANE Select); coding-DNA position 812, G replaced by A.
Protein change: p.Arg271His; replaces arginine 271 with histidine.
Molecular consequence: missense variant.
Genome position (GRCh38, 1-based): chr4:54,703,779, G>A. VCF-style: chr4-54703779-G-A. GRCh37 (hg19) VCF-style: chr4-55569945-G-A.
Other names: c.812G>A (NM_000222.2); c.812G>A, p.Arg271His (NM_001093772.2, NM_001385285.1, NM_001385286.1); c.815G>A, p.Arg272His (NM_001385284.1, NM_001385288.1, NM_001385290.1 and 1 more transcripts); short protein forms R271H, R272H.
Identifiers: ClinVar variation 1506119 (VCV001506119.7), dbSNP rs2109693198, ClinGen allele CA356899605.

ClinVar aggregate classification (germline): Uncertain significance. Review status: criteria provided, multiple submitters, no conflicts (2 of 4 stars). 2 submissions from 2 submitters: Uncertain significance (2). Last evaluated 2025-03-23.

Conditions:
Gastrointestinal stromal tumor. Also called: Gastrointestinal stromal tumor, somatic; Gastrointestinal stroma tumor. Identifiers: Orphanet 44890, MedGen C0238198, MeSH D046152, MONDO:0011719, OMIM 606764, HP:0100723.
Hereditary cancer-predisposing syndrome. Also called: Tumor predisposition; Neoplastic Syndromes, Hereditary; Hereditary Cancer Syndrome; Hereditary neoplastic syndrome. Identifiers: Orphanet 140162, MedGen C0027672, MeSH D009386, MONDO:0015356.

Submissions (2):

Labcorp Genetics (formerly Invitae), Labcorp
Classification: Uncertain significance for Gastrointestinal stromal tumor. Last evaluated: 2025-03-23. Review status: criteria provided, single submitter. Criteria: Invitae Variant Classification Sherloc (09022015). Collection method: clinical testing. Allele origin: germline.
Comment: This sequence change replaces arginine, which is basic and polar, with histidine, which is basic and polar, at codon 271 of the KIT protein (p.Arg271His). This variant is not present in population databases (gnomAD no frequency). This variant has not been reported in the literature in individuals affected with KIT-related conditions. ClinVar contains an entry for this variant (Variation ID: 1506119). An algorithm developed to predict the effect of missense changes on protein structure and function (PolyPhen-2) suggests that this variant is likely to be disruptive. In summary, the available evidence is currently insufficient to determine the role of this variant in disease. Therefore, it has been classified as a Variant of Uncertain Significance.

Ambry Genetics
Classification: Uncertain significance for Hereditary cancer-predisposing syndrome. Last evaluated: 2025-03-12. Review status: criteria provided, single submitter. Criteria: Ambry Variant Classification Scheme 2023. Collection method: clinical testing. Allele origin: germline.
Comment: The p.R271H variant (also known as c.812G>A), located in coding exon 5 of the KIT gene, results from a G to A substitution at nucleotide position 812. The arginine at codon 271 is replaced by histidine, an amino acid with highly similar properties. This amino acid position is well conserved in available vertebrate species. In addition, the in silico prediction for this alteration is inconclusive. Based on the available evidence, the clinical significance of this variant remains unclear.